The following is an entry in ClinVar:

ClinVar aggregate classification (germline): Uncertain significance (0 of 4 stars; one submission).

Conditions:
PJVK-related disorder. Also called: PJVK-related condition.

gnomAD v4.1: 10 of 1,614,034 alleles (0.00062%); highest among the groups gnomAD compares: Admixed American, 0.0033%; no homozygotes.

Submission:

PreventionGenetics, part of Exact Sciences
Classification: Uncertain significance for PJVK-related condition. Last evaluated: 2024-07-24. Review status: no assertion criteria provided. Collection method: clinical testing. Allele origin: germline.
Comment: The PJVK c.284A>G variant is predicted to result in the amino acid substitution p.His95Arg. To our knowledge, this variant has not been reported in the literature. This variant is reported in 0.0033% of alleles in individuals of South Asian descent in gnomAD. At this time, the clinical significance of this variant is uncertain due to the absence of conclusive functional and genetic evidence.

NM_001042702.5(PJVK):c.284A>G (p.His95Arg)

Gene: PJVK (pejvakin; plus strand). Cytogenetic location: 2q31.2.
Variant type: single nucleotide variant.
Coding change: c.284A>G on transcript NM_001042702.5 (MANE Select); coding-DNA position 284, A replaced by G.
Protein change: p.His95Arg; replaces histidine 95 with arginine.
Molecular consequence: missense variant. On other transcripts: 5 prime UTR variant (2).
Genome position (GRCh38, 1-based): chr2:178,454,404, A>G. VCF-style: chr2-178454404-A-G. GRCh37 (hg19) VCF-style: chr2-179319131-A-G.
Other names: c.293A>G, p.His98Arg (NM_001353775.2); c.389A>G, p.His130Arg (NM_001353776.2); c.-194A>G (NM_001353777.1, NM_001353778.2); c.284A>G, p.His95Arg (NM_001369912.1); short protein forms H130R, H95R, H98R.
Identifiers: ClinVar variation 3358524 (VCV003358524.1).
Genomic context (GRCh38, chr2:178,454,404, plus strand): 5'-ATCAATTACTGAATTATGAAGATGAATCAGATGTTTCACTCTATGGAAGGCGAGGTAACC[A>G]TATTGTAAATGACGTTGGGATTAACGTTGCTGGATCAGATTCCATTGCAGTGAAAGCTTC-3'
Protein context (NP_001036167.1, residues 85-105): DVSLYGRRGN[His95Arg]IVNDVGINVA